The following is an entry in ClinVar:

NM_001243133.2(NLRP3):c.912G>C (p.Glu304Asp)

Gene: NLRP3 (NLR family pyrin domain containing 3; plus strand). Cytogenetic location: 1q44.
Variant type: single nucleotide variant.
Coding change: c.912G>C on transcript NM_001243133.2 (MANE Select); coding-DNA position 912, G replaced by C.
Protein change: p.Glu304Asp; replaces glutamic acid 304 with aspartic acid.
Molecular consequence: missense variant.
Genome position (GRCh38, 1-based): chr1:247,424,361, G>C. VCF-style: chr1-247424361-G-C. GRCh37 (hg19) VCF-style: chr1-247587663-G-C.
Other names: c.912G>C, p.Glu304Asp (NM_001079821.3, NM_001127461.3, NM_001127462.3 and 1 more transcripts); c.918G>C, p.Glu306Asp (NM_004895.5); short protein forms E304D, E306D.
Identifiers: ClinVar variation 640409 (VCV000640409.8), dbSNP rs1572169394, ClinGen allele CA345555699.
Genomic context (GRCh38, chr1:247,424,361, plus strand): 5'-CATCCACAAGATCGTGAGAAAACCCTCCAGAATCCTCTTCCTCATGGACGGCTTCGATGA[G>C]CTGCAAGGTGCCTTTGACGAGCACATAGGACCGCTCTGCACTGACTGGCAGAAGGCCGAG-3'
Protein context (NP_001230062.1, residues 294-314): RILFLMDGFD[Glu304Asp]LQGAFDEHIG

ClinVar aggregate classification (germline): Uncertain significance (1 of 4 stars; one submission).

Conditions:
Cryopyrin associated periodic syndrome (CAPS). Identifiers: Orphanet 208650, MedGen C2316212, MONDO:0016168.

Submission:

Labcorp Genetics (formerly Invitae), Labcorp
Classification: Uncertain significance for Cryopyrin associated periodic syndrome. Last evaluated: 2018-12-16. Review status: criteria provided, single submitter. Criteria: Invitae Variant Classification Sherloc (09022015). Collection method: clinical testing. Allele origin: germline.
Comment: This sequence change replaces glutamic acid with aspartic acid at codon 306 of the NLRP3 protein (p.Glu306Asp). The glutamic acid residue is highly conserved and there is a small physicochemical difference between glutamic acid and aspartic acid. Algorithms developed to predict the effect of missense changes on protein structure and function are either unavailable or do not agree on the potential impact of this missense change (SIFT: "Tolerated"; PolyPhen-2: "Probably Damaging"; Align-GVGD: "Class C0"). This variant has not been reported in the literature in individuals with NLRP3-related conditions. This variant is not present in population databases (ExAC no frequency). This variant disrupts the p.Glu306 amino acid residue in NLRP3. Another variant, referred to as E304K, that disrupts this residue, has been observed in individuals with NLRP3-related conditions (PMID: 16920754, 20472245, 25883259, 27650144), suggesting that it is a clinically significant residue. As a result, variants that disrupt this residue are likely to be causative of disease. In summary, the available evidence is currently insufficient to determine the role of this variant in disease. Therefore, it has been classified as a Variant of Uncertain Significance.

Literature cited by the submitters: PubMed 16920754; PubMed 20472245; PubMed 25883259; PubMed 27650144.